The following is an entry in ClinVar:

ClinVar aggregate classification (germline): Uncertain significance. Review status: criteria provided, multiple submitters, no conflicts (2 of 4 stars). 2 submissions from 2 submitters: Uncertain significance (2). Last evaluated 2025-09-25.

Allele frequency attached by ClinVar (database versions not stated): gnomAD exomes 0.00001 and 0.00002; ExAC 0.00003; ESP Exome Variant Server 0.00008; gnomAD 0.00010 and 0.00011; TOPMed 0.00012.

Submissions (2):

Labcorp Genetics (formerly Invitae), Labcorp
Classification: Uncertain significance. Last evaluated: 2025-09-25. Review status: criteria provided, single submitter. Criteria: Invitae Variant Classification Sherloc (09022015). Collection method: clinical testing. Allele origin: germline.
Comment: This sequence change replaces glycine, which is neutral and non-polar, with valine, which is neutral and non-polar, at codon 24 of the MRPS16 protein (p.Gly24Val). This variant is present in population databases (rs367587865, gnomAD 0.04%). This variant has not been reported in the literature in individuals affected with MRPS16-related conditions. ClinVar contains an entry for this variant (Variation ID: 1507557). An algorithm developed to predict the effect of missense changes on protein structure and function (PolyPhen-2) suggests that this variant is likely to be disruptive. In summary, the available evidence is currently insufficient to determine the role of this variant in disease. Therefore, it has been classified as a Variant of Uncertain Significance.

Ambry Genetics
Classification: Uncertain significance. Last evaluated: 2023-10-05. Review status: criteria provided, single submitter. Criteria: Ambry Variant Classification Scheme 2023. Collection method: clinical testing. Allele origin: germline.

NM_016065.4(MRPS16):c.71G>T (p.Gly24Val)

Genes: DNAJC9-AS1 (DNAJC9 and MRPS16 antisense RNA 1; plus strand), MRPS16 (mitochondrial ribosomal protein S16; minus strand). Cytogenetic location: 10q22.2.
Variant type: single nucleotide variant.
Coding change: c.71G>T on transcript NM_016065.4 (MANE Select); coding-DNA position 71, G replaced by T.
Protein change: p.Gly24Val; replaces glycine 24 with valine.
Molecular consequence: missense variant.
Genome position (GRCh38, 1-based): chr10:73,251,966, C>A on the plus strand (G>T on the coding strand, the complement: MRPS16 is on the minus strand). VCF-style: chr10-73251966-C-A. GRCh37 (hg19) VCF-style: chr10-75011724-C-A.
Other names: c.71G>T (NM_016065.3); short protein forms G24V.
Identifiers: ClinVar variation 1507557 (VCV001507557.7), dbSNP rs367587865, ClinGen allele CA5553419.